The following is an entry in ClinVar:

NM_001447.3(FAT2):c.11869C>T (p.Leu3957Phe)

Genes: FAT2 (FAT atypical cadherin 2; minus strand), SLC36A1 (solute carrier family 36 member 1; plus strand). Cytogenetic location: 5q33.1.
Variant type: single nucleotide variant.
Coding change: c.11869C>T on transcript NM_001447.3 (MANE Select); coding-DNA position 11869, C replaced by T.
Protein change: p.Leu3957Phe; replaces leucine 3957 with phenylalanine.
Molecular consequence: missense variant.
Genome position (GRCh38, 1-based): chr5:151,512,201, G>A on the plus strand (C>T on the coding strand, the complement: FAT2 is on the minus strand). VCF-style: chr5-151512201-G-A. GRCh37 (hg19) VCF-style: chr5-150891762-G-A.
Other names: c.11869C>T (NM_001447.2); short protein forms L3957F.
Identifiers: ClinVar variation 2174221 (VCV002174221.5), dbSNP rs144175564, ClinGen allele CA3519925.

ClinVar aggregate classification (germline): Uncertain significance. Review status: criteria provided, multiple submitters, no conflicts (2 of 4 stars). 2 submissions from 2 submitters: Uncertain significance (2). Last evaluated 2022-08-01.

Allele frequency attached by ClinVar (database versions not stated): gnomAD exomes 0.00001; ExAC 0.00003; gnomAD 0.00016; ESP Exome Variant Server 0.00023; TOPMed 0.00025.
gnomAD v4.1: 46 of 1,614,052 alleles (0.0028%); highest among the groups gnomAD compares: African/African-American, 0.057%; no homozygotes.

Submissions (2):

Labcorp Genetics (formerly Invitae), Labcorp
Classification: Uncertain significance. Last evaluated: 2022-08-01. Review status: criteria provided, single submitter. Criteria: Invitae Variant Classification Sherloc (09022015). Collection method: clinical testing. Allele origin: germline.
Comment: In summary, the available evidence is currently insufficient to determine the role of this variant in disease. Therefore, it has been classified as a Variant of Uncertain Significance. Algorithms developed to predict the effect of missense changes on protein structure and function are either unavailable or do not agree on the potential impact of this missense change (SIFT: "Deleterious"; PolyPhen-2: "Benign"; Align-GVGD: "Class C0"). This variant has not been reported in the literature in individuals affected with FAT2-related conditions. This variant is present in population databases (rs144175564, gnomAD 0.04%). This sequence change replaces leucine, which is neutral and non-polar, with phenylalanine, which is neutral and non-polar, at codon 3957 of the FAT2 protein (p.Leu3957Phe).

Ambry Genetics
Classification: Uncertain significance. Last evaluated: 2022-04-22. Review status: criteria provided, single submitter. Criteria: Ambry Variant Classification Scheme 2023. Collection method: clinical testing. Allele origin: germline.